The following is an entry in ClinVar:

ClinVar aggregate classification (germline): Uncertain significance (1 of 4 stars; one submission).

Submission:

GeneDx
Classification: Uncertain significance. Last evaluated: 2024-03-11. Review status: criteria provided, single submitter. Criteria: GeneDx Variant Classification Process June 2021. Collection method: clinical testing. Allele origin: germline. Affected: yes.
Comment: Not observed at significant frequency in large population cohorts (gnomAD); In silico analysis supports that this missense variant has a deleterious effect on protein structure/function; Has not been previously published as pathogenic or benign to our knowledge

NM_002700.3(POU4F3):c.763G>T (p.Ala255Ser)

Genes: POU4F3 (POU class 4 homeobox 3; plus strand), LOC127814297 (RBM27-POU4F3; plus strand). Cytogenetic location: 5q32.
Variant type: single nucleotide variant.
Coding change: c.763G>T on transcript NM_002700.3 (MANE Select); coding-DNA position 763, G replaced by T.
Protein change: p.Ala255Ser; replaces alanine 255 with serine.
Molecular consequence: missense variant. On other transcripts: 3 prime UTR variant (1).
Genome position (GRCh38, 1-based): chr5:146,340,190, G>T. VCF-style: chr5-146340190-G-T. GRCh37 (hg19) VCF-style: chr5-145719753-G-T.
Other names: c.*632G>T (NM_001414499.1); short protein forms A255S.
Identifiers: ClinVar variation 3373611 (VCV003373611.1).